The following is an entry in ClinVar:

ClinVar aggregate classification (germline): Uncertain significance (1 of 4 stars; one submission).

gnomAD v4.1: 1 of 1,613,996 alleles (0.000062%); highest among the groups gnomAD compares: South Asian, 0.0011%; no homozygotes.

Submission:

GeneDx
Classification: Uncertain significance. Last evaluated: 2026-04-16. Review status: criteria provided, single submitter. Criteria: GeneDx Variant Classification Process June 2021. Collection method: clinical testing. Allele origin: germline.
Comment: Not observed at significant frequency in large population cohorts (gnomAD); In silico analysis suggests that this missense variant does not alter protein structure/function; Has not been previously published as pathogenic or benign to our knowledge

NM_001127644.2(GABRA1):c.1143G>C (p.Arg381Ser)

Gene: GABRA1 (gamma-aminobutyric acid type A receptor subunit alpha1; plus strand). Cytogenetic location: 5q34.
Variant type: single nucleotide variant.
Coding change: c.1143G>C on transcript NM_001127644.2 (MANE Select); coding-DNA position 1143, G replaced by C.
Protein change: p.Arg381Ser; replaces arginine 381 with serine.
Molecular consequence: missense variant.
Genome position (GRCh38, 1-based): chr5:161,897,194, G>C. VCF-style: chr5-161897194-G-C. GRCh37 (hg19) VCF-style: chr5-161324200-G-C.
Other names: c.1143G>C, p.Arg381Ser (NM_000806.5, NM_001127643.2, NM_001127645.2 and 1 more transcripts); short protein forms R381S.
Identifiers: ClinVar variation 3375997 (VCV003375997.2).